The following is an entry in ClinVar:

NM_005173.4(ATP2A3):c.1452C>T (p.Thr484=)

Gene: ATP2A3 (ATPase sarcoplasmic/endoplasmic reticulum Ca2+ transporting 3; minus strand). Cytogenetic location: 17p13.2.
Variant type: single nucleotide variant.
Coding change: c.1452C>T on transcript NM_005173.4 (MANE Select); coding-DNA position 1452, C replaced by T.
Protein change: p.Thr484=; no amino-acid change (threonine 484 retained).
Molecular consequence: synonymous variant.
Genome position (GRCh38, 1-based): chr17:3,942,699, G>A on the plus strand (C>T on the coding strand, the complement: ATP2A3 is on the minus strand). VCF-style: chr17-3942699-G-A. GRCh37 (hg19) VCF-style: chr17-3845993-G-A.
Other names: c.1452C>T, p.Thr484= (NM_174953.3, NM_174954.3, NM_174955.3 and 3 more transcripts).
Identifiers: ClinVar variation 3042789 (VCV003042789.2), dbSNP rs17846886, ClinGen allele CA8297190.

ClinVar aggregate classification (germline): Benign (0 of 4 stars; one submission).

Conditions:
ATP2A3-related disorder. Also called: ATP2A3-related condition.

Allele frequency attached by ClinVar (database versions not stated): gnomAD exomes 0.00027; gnomAD 0.00043; TOPMed 0.00054; ExAC 0.00074; 1000 Genomes Project 30x 0.00141; 1000 Genomes Project 0.00180.

Submission:

PreventionGenetics, part of Exact Sciences
Classification: Benign for ATP2A3-related condition. Last evaluated: 2019-06-26. Review status: no assertion criteria provided. Collection method: clinical testing. Allele origin: germline.
Comment: This variant is classified as benign based on ACMG/AMP sequence variant interpretation guidelines (Richards et al. 2015 PMID: 25741868, with internal and published modifications).